The following is an entry in ClinVar:

NM_032608.7(MYO18B):c.5101C>T (p.Gln1701Ter)

Gene: MYO18B (myosin XVIIIB; plus strand). Cytogenetic location: 22q12.1.
Variant type: single nucleotide variant.
Coding change: c.5101C>T on transcript NM_032608.7 (MANE Select); coding-DNA position 5101, C replaced by T.
Protein change: p.Gln1701Ter; replaces glutamine 1701 with a stop codon.
Molecular consequence: nonsense.
Genome position (GRCh38, 1-based): chr22:25,903,784, C>T. VCF-style: chr22-25903784-C-T. GRCh37 (hg19) VCF-style: chr22-26299751-C-T.
Other names: c.5104C>T, p.Gln1702Ter (NM_001318245.2); short protein forms Q1702*, Q1701*.
Identifiers: ClinVar variation 2757528 (VCV002757528.3), dbSNP rs2091985787, ClinGen allele CA411013619.

ClinVar aggregate classification (germline): Pathogenic (1 of 4 stars; one submission).

Allele frequency attached by ClinVar (database versions not stated): TOPMed below 0.00001.

Submission:

Labcorp Genetics (formerly Invitae), Labcorp
Classification: Pathogenic. Last evaluated: 2023-09-03. Review status: criteria provided, single submitter. Criteria: Invitae Variant Classification Sherloc (09022015). Collection method: clinical testing. Allele origin: germline.
Comment: For these reasons, this variant has been classified as Pathogenic. This variant has not been reported in the literature in individuals affected with MYO18B-related conditions. This variant is not present in population databases (gnomAD no frequency). This sequence change creates a premature translational stop signal (p.Gln1701*) in the MYO18B gene. It is expected to result in an absent or disrupted protein product. Loss-of-function variants in MYO18B are known to be pathogenic (PMID: 25748484, 32184166, 32637634).

Literature cited by the submitters: PubMed 25748484; PubMed 32184166; PubMed 32637634.